The following is an entry in ClinVar:

NM_032620.4(GTPBP3):c.458T>A (p.Leu153Gln)

Gene: GTPBP3 (GTP binding protein 3, mitochondrial; plus strand). Cytogenetic location: 19p13.11.
Variant type: single nucleotide variant.
Coding change: c.458T>A on transcript NM_032620.4 (MANE Select); coding-DNA position 458, T replaced by A.
Protein change: p.Leu153Gln; replaces leucine 153 with glutamine.
Molecular consequence: missense variant.
Genome position (GRCh38, 1-based): chr19:17,338,608, T>A. VCF-style: chr19-17338608-T-A. GRCh37 (hg19) VCF-style: chr19-17449417-T-A.
Other names: c.458T>A, p.Leu153Gln (NM_001128855.3, NM_133644.4); c.524T>A, p.Leu175Gln (NM_001195422.1); short protein forms L153Q, L175Q.
Identifiers: ClinVar variation 2014009 (VCV002014009.4), dbSNP rs750455793, ClinGen allele CA9293363.
Genomic context (GRCh38, chr19:17,338,608, plus strand): 5'-CAGGGCTTCGACCGGCGGAGGCAGGCGAGTTCACCAGACGGGCGTTCGCCAATGGGAAGC[T>A]GAACCTGACCGAAGTGGAGGGGCTGGCGGACCTTATCCACGCGGAAACAGAGGCGCAGCG-3'
Protein context (NP_116009.2, residues 143-163): FTRRAFANGK[Leu153Gln]NLTEVEGLAD

ClinVar aggregate classification (germline): Uncertain significance (1 of 4 stars; one submission).

Allele frequency attached by ClinVar (database versions not stated): gnomAD exomes below 0.00001; ExAC 0.00001.

Submission:

Labcorp Genetics (formerly Invitae), Labcorp
Classification: Uncertain significance. Last evaluated: 2022-07-04. Review status: criteria provided, single submitter. Criteria: Invitae Variant Classification Sherloc (09022015). Collection method: clinical testing. Allele origin: germline.
Comment: In summary, the available evidence is currently insufficient to determine the role of this variant in disease. Therefore, it has been classified as a Variant of Uncertain Significance. Algorithms developed to predict the effect of missense changes on protein structure and function are either unavailable or do not agree on the potential impact of this missense change (SIFT: "Deleterious"; PolyPhen-2: "Probably Damaging"; Align-GVGD: "Class C0"). This variant has not been reported in the literature in individuals affected with GTPBP3-related conditions. This variant is present in population databases (rs750455793, gnomAD 0.003%). This sequence change replaces leucine, which is neutral and non-polar, with glutamine, which is neutral and polar, at codon 153 of the GTPBP3 protein (p.Leu153Gln).